The following is an entry in ClinVar:

NM_024884.3(L2HGDH):c.1065-3C>T

Gene: L2HGDH (L-2-hydroxyglutarate dehydrogenase; minus strand). Cytogenetic location: 14q21.3.
Variant type: single nucleotide variant.
Coding change: c.1065-3C>T on transcript NM_024884.3 (MANE Select); 3 bases into the intron before coding-DNA position 1065, C replaced by T.
Molecular consequence: intron variant.
Genome position (GRCh38, 1-based): chr14:50,265,492, G>A on the plus strand (C>T on the coding strand, the complement: L2HGDH is on the minus strand). VCF-style: chr14-50265492-G-A. GRCh37 (hg19) VCF-style: chr14-50732210-G-A.
Identifiers: ClinVar variation 2231003 (VCV002231003.2), dbSNP rs2503494842, ClinGen allele CA2580088169.
Genomic context (GRCh38, chr14:50,265,492, plus strand): 5'-TTTATACATTTCAGTAACTCCATAGGAAAAATTCTGGGATGCCAGTTTAATCAAGCCACT[G>A]AAAACAGAGAAAAAAAATCTTTATGAGAGAAAGGAATTCTTTATTACGTAAAATACCTTT-3'

ClinVar aggregate classification (germline): Uncertain significance (1 of 4 stars; one submission).

Conditions:
Inborn genetic diseases. Identifiers: MedGen C0950123, MeSH D030342.

Allele frequency attached by ClinVar (database versions not stated): gnomAD exomes 0.00001.
gnomAD v4.1: 8 of 1,610,410 alleles (0.0005%); highest among the groups gnomAD compares: Non-Finnish European, 0.00068%; no homozygotes.

Submission:

Ambry Genetics
Classification: Uncertain significance for Inborn genetic diseases. Last evaluated: 2021-06-06. Review status: criteria provided, single submitter. Criteria: Ambry Variant Classification Scheme 2023. Collection method: clinical testing. Allele origin: germline.
Comment: The c.1065-3C>T intronic alteration consists of a C to T substitution 3 nucleotides before coding exon 9 in the L2HGDH gene. Based on insufficient or conflicting evidence, the clinical significance of this alteration remains unclear.